The following is an entry in ClinVar:

ClinVar aggregate classification (germline): Likely pathogenic (1 of 4 stars; one submission).

Conditions:
Mucopolysaccharidosis type 6 (MPS6). Also called: MPS VI; MPS 6; Maroteaux Lamy syndrome; N-ACETYLGALACTOSAMINE-4-SULFATASE DEFICIENCY; ARSB DEFICIENCY; ARYLSULFATASE B DEFICIENCY. Identifiers: Orphanet 583, MedGen C0026709, MONDO:0009661, OMIM 253200.

Allele frequency attached by ClinVar (database versions not stated): gnomAD 0.00001.
gnomAD v4.1: 1 of 1,613,800 alleles (0.000062%); highest among the groups gnomAD compares: African/African-American, 0.0013%; no homozygotes.

Submission:

Labcorp Genetics (formerly Invitae), Labcorp
Classification: Likely pathogenic for Mucopolysaccharidosis type 6. Last evaluated: 2023-06-23. Review status: criteria provided, single submitter. Criteria: Invitae Variant Classification Sherloc (09022015). Collection method: clinical testing. Allele origin: germline.
Comment: This variant disrupts the p.His178 amino acid residue in ARSB. Other variant(s) that disrupt this residue have been determined to be pathogenic (PMID: 24243352, 25060283, 30524696). This suggests that this residue is clinically significant, and that variants that disrupt this residue are likely to be disease-causing. In summary, the currently available evidence indicates that the variant is pathogenic, but additional data are needed to prove that conclusively. Therefore, this variant has been classified as Likely Pathogenic. This sequence change replaces histidine, which is basic and polar, with glutamine, which is neutral and polar, at codon 178 of the ARSB protein (p.His178Gln). This variant has not been reported in the literature in individuals affected with ARSB-related conditions. Advanced modeling of protein sequence and biophysical properties (such as structural, functional, and spatial information, amino acid conservation, physicochemical variation, residue mobility, and thermodynamic stability) performed at Invitae indicates that this missense variant is expected to disrupt ARSB protein function. This variant is present in population databases (no rsID available, gnomAD 0.01%).

Literature cited by the submitters: PubMed 24243352; PubMed 25060283; PubMed 30524696.

NM_000046.5(ARSB):c.534T>G (p.His178Gln)

Gene: ARSB (arylsulfatase B; minus strand). Cytogenetic location: 5q14.1.
Variant type: single nucleotide variant.
Coding change: c.534T>G on transcript NM_000046.5 (MANE Select); coding-DNA position 534, T replaced by G.
Protein change: p.His178Gln; replaces histidine 178 with glutamine.
Molecular consequence: missense variant.
Genome position (GRCh38, 1-based): chr5:78,964,572, A>C on the plus strand (T>G on the coding strand, the complement: ARSB is on the minus strand). VCF-style: chr5-78964572-A-C. GRCh37 (hg19) VCF-style: chr5-78260395-A-C.
Other names: c.534T>G, p.His178Gln (NM_198709.3); short protein forms H178Q.
Identifiers: ClinVar variation 2969278 (VCV002969278.3), dbSNP rs779861743, ClinGen allele CA360193399.